The following is an entry in ClinVar:

ClinVar aggregate classification (germline): Likely pathogenic (1 of 4 stars; one submission).

Conditions:
Autosomal recessive limb-girdle muscular dystrophy type 2J (LGMDR10). Also called: Limb-girdle muscular dystrophy, type 2J; MUSCULAR DYSTROPHY, LIMB-GIRDLE, AUTOSOMAL RECESSIVE 10. Identifiers: Orphanet 140922, MedGen C1837342, MONDO:0012127, OMIM 608807.
Dilated cardiomyopathy 1G (CMD1G). Identifiers: Orphanet 154, MedGen C1858763, MONDO:0011400, OMIM 604145.

Submission:

Labcorp Genetics (formerly Invitae), Labcorp
Classification: Likely pathogenic for Dilated cardiomyopathy 1G; Autosomal recessive limb-girdle muscular dystrophy type 2J. Last evaluated: 2024-02-05. Review status: criteria provided, single submitter. Criteria: Invitae Variant Classification Sherloc (09022015). Collection method: clinical testing. Allele origin: germline.
Comment: This sequence change creates a premature translational stop signal (p.Pro31916Glnfs*27) in the TTN gene. While this is not anticipated to result in nonsense mediated decay, it is expected to create a truncated TTN protein. This variant is not present in population databases (gnomAD no frequency). This variant has not been reported in the literature in individuals affected with TTN-related conditions. This variant is located in the A band of TTN (PMID: 25589632). Truncating variants in this region are significantly overrepresented in patients affected with dilated cardiomyopathy (PMID: 25589632). Truncating variants in this region have also been reported in individuals affected with autosomal recessive centronuclear myopathy (PMID: 23975875). In summary, the currently available evidence indicates that the variant is pathogenic, but additional data are needed to prove that conclusively. Therefore, this variant has been classified as Likely Pathogenic.

Literature cited by the submitters: PubMed 25589632; PubMed 23975875.

NM_001267550.2(TTN):c.95747del (p.Pro31916fs)

Genes: TTN-AS1 (TTN antisense RNA 1; plus strand), TTN (titin; minus strand). Cytogenetic location: 2q31.2.
Variant type: Deletion.
Coding change: c.95747del on transcript NM_001267550.2 (MANE Select); coding-DNA position 95747, one base deleted (C; older notation c.95747delC).
Protein change: p.Pro31916fs; shifts the reading frame from proline 31916.
Molecular consequence: frameshift variant.
Genome position (GRCh38, 1-based): chr2:178,544,482, G deleted on the plus strand (C on the coding strand, the reverse complement: TTN is on the minus strand); the first of 2 consecutive G bases (chr2:178,544,482-178,544,483); deleting either gives the same sequence. VCF-style (leftmost placement, unchanged base first): chr2-178544481-TG-T. GRCh37 (hg19) VCF-style: chr2-179409208-TG-T.
Other names: c.90824del, p.Pro30275fs (NM_001256850.1); c.68552del, p.Pro22851fs (NM_003319.4); c.88043del, p.Pro29348fs (NM_133378.4); c.68927del, p.Pro22976fs (NM_133432.3); c.69128del, p.Pro23043fs (NM_133437.4); short protein forms P22851fs, P22976fs, P23043fs, P29348fs, P30275fs, P31916fs.
Identifiers: ClinVar variation 3754431 (VCV003754431.2).
Genomic context (GRCh38, chr2:178,544,481, plus strand): 5'-ATCGTACATGGGTTTGGTCCATGCCAAACTAATGCTGTGTTTGGTGGTATCCACAACTCT[TG>T]GAGCAGAAGGTGGTCCAGGGGTATCTGTGGAATTTAAAAAGTGAGATGCAGATATTAGGC-3'